The following is an entry in ClinVar:

ClinVar aggregate classification (germline): Likely benign (1 of 4 stars; one submission).

Allele frequency attached by ClinVar (database versions not stated): TOPMed 0.00062; gnomAD 0.00098; 1000 Genomes Project 30x 0.00250; 1000 Genomes Project 0.00260.
gnomAD v4.1: 148 of 152,314 alleles (0.097%); highest among the groups gnomAD compares: South Asian, 1.4%; no homozygotes.

Submission:

CeGaT Center for Human Genetics Tuebingen
Classification: Likely benign. Last evaluated: 2026-08-01. Review status: criteria provided, single submitter. Criteria: CeGaT Center For Human Genetics Tuebingen Variant Classification Criteria Version 2. Collection method: clinical testing. Allele origin: germline. Affected: yes. Observed: 9 variant alleles.
Comment: BRAF: BS1

NM_004333.6(BRAF):c.981-200A>C

Genes: BRAF (B-Raf proto-oncogene, serine/threonine kinase; minus strand), LOC126860202 (BRD4-independent group 4 enhancer GRCh37_chr7:140493623-140494822; plus strand). Cytogenetic location: 7q34.
Variant type: single nucleotide variant.
Coding change: c.981-200A>C on transcript NM_004333.6 (MANE Select); 200 bases into the intron before coding-DNA position 981, A replaced by C.
Molecular consequence: intron variant.
Genome position (GRCh38, 1-based): chr7:140,794,667, T>G on the plus strand (A>C on the coding strand, the complement: BRAF is on the minus strand). VCF-style: chr7-140794667-T-G. GRCh37 (hg19) VCF-style: chr7-140494467-T-G.
Other names: c.981-200A>C (NM_001378474.1, NM_001378471.1, NM_001378468.1 and 4 more transcripts); c.879-200A>C (NM_001378470.1); c.717-200A>C (NM_001378475.1); c.990-200A>C (NM_001378467.1); c.825-200A>C (NM_001378472.1, NM_001378473.1).
Identifiers: ClinVar variation 2499060 (VCV002499060.28), dbSNP rs71645956, ClinGen allele CA168101077.